The following is an entry in ClinVar:

ClinVar aggregate classification (germline): Uncertain significance. Review status: criteria provided, multiple submitters, no conflicts (2 of 4 stars). 2 submissions from 2 submitters: Uncertain significance (2). Last evaluated 2025-08-08.

Conditions:
Inborn genetic diseases. Identifiers: MedGen C0950123, MeSH D030342.
ALG8 congenital disorder of glycosylation. Also called: CONGENITAL DISORDER OF GLYCOSYLATION, TYPE Ih; CDG Ih; ALG8-CDG. Identifiers: Orphanet 79325, MedGen C2931002, MONDO:0011969, OMIM 608104.

Allele frequency attached by ClinVar (database versions not stated): gnomAD exomes below 0.00001.
gnomAD v4.1: 1 of 1,613,368 alleles (0.000062%); highest among the groups gnomAD compares: Admixed American, 0.0017%; no homozygotes.

Submissions (2):

Ambry Genetics
Classification: Uncertain significance for Inborn genetic diseases. Last evaluated: 2025-08-08. Review status: criteria provided, single submitter. Criteria: Ambry Variant Classification Scheme 2023. Collection method: clinical testing. Allele origin: germline.

Labcorp Genetics (formerly Invitae), Labcorp
Classification: Uncertain significance for ALG8 congenital disorder of glycosylation. Last evaluated: 2024-10-16. Review status: criteria provided, single submitter. Criteria: Invitae Variant Classification Sherloc (09022015). Collection method: clinical testing. Allele origin: germline.
Comment: This sequence change replaces glycine, which is neutral and non-polar, with glutamic acid, which is acidic and polar, at codon 130 of the ALG8 protein (p.Gly130Glu). This variant is present in population databases (no rsID available, gnomAD 0.003%). This variant has not been reported in the literature in individuals affected with ALG8-related conditions. ClinVar contains an entry for this variant (Variation ID: 1987378). Invitae Evidence Modeling of protein sequence and biophysical properties (such as structural, functional, and spatial information, amino acid conservation, physicochemical variation, residue mobility, and thermodynamic stability) indicates that this missense variant is not expected to disrupt ALG8 protein function with a negative predictive value of 80%. In summary, the available evidence is currently insufficient to determine the role of this variant in disease. Therefore, it has been classified as a Variant of Uncertain Significance.

NM_024079.5(ALG8):c.389G>A (p.Gly130Glu)

Gene: ALG8 (ALG8 alpha-1,3-glucosyltransferase; minus strand). Cytogenetic location: 11q14.1.
Variant type: single nucleotide variant.
Coding change: c.389G>A on transcript NM_024079.5 (MANE Select); coding-DNA position 389, G replaced by A.
Protein change: p.Gly130Glu; replaces glycine 130 with glutamic acid.
Molecular consequence: missense variant.
Genome position (GRCh38, 1-based): chr11:78,121,154, C>T on the plus strand (G>A on the coding strand, the complement: ALG8 is on the minus strand). VCF-style: chr11-78121154-C-T. GRCh37 (hg19) VCF-style: chr11-77832200-C-T.
Other names: c.389G>A (NM_024079.4); c.389G>A, p.Gly130Glu (NM_001007027.3); short protein forms G130E.
Identifiers: ClinVar variation 1987378 (VCV001987378.5), dbSNP rs1457257721, ClinGen allele CA382119579.